The following is an entry in ClinVar:

NM_025114.4(CEP290):c.4631A>T (p.Asn1544Ile)

Gene: CEP290 (centrosomal protein 290; minus strand). Cytogenetic location: 12q21.32.
Variant type: single nucleotide variant.
Coding change: c.4631A>T on transcript NM_025114.4 (MANE Select); coding-DNA position 4631, A replaced by T.
Protein change: p.Asn1544Ile; replaces asparagine 1544 with isoleucine.
Molecular consequence: missense variant.
Genome position (GRCh38, 1-based): chr12:88,084,659, T>A on the plus strand (A>T on the coding strand, the complement: CEP290 is on the minus strand). VCF-style: chr12-88084659-T-A. GRCh37 (hg19) VCF-style: chr12-88478436-T-A.
Other names: short protein forms N1544I.
Identifiers: ClinVar variation 2634153 (VCV002634153.1), dbSNP rs778141154, ClinGen allele CA6711900.

ClinVar aggregate classification (germline): Uncertain significance (1 of 4 stars; one submission).

Conditions:
CEP290-related disorder. Also called: CEP290-related condition; CEP290-related disorders. Identifiers: MedGen CN239314.

Allele frequency attached by ClinVar (database versions not stated): ExAC 0.00001; TOPMed 0.00001; gnomAD 0.00002; gnomAD exomes 0.00002.
gnomAD v4.1: 36 of 1,613,574 alleles (0.0022%); highest among the groups gnomAD compares: Non-Finnish European, 0.0031%; no homozygotes.

Submission:

PreventionGenetics, part of Exact Sciences
Classification: Uncertain significance for CEP290-related condition. Last evaluated: 2023-07-14. Review status: criteria provided, single submitter. Criteria: ACMG Guidelines, 2015. Collection method: clinical testing. Allele origin: germline.
Comment: The CEP290 c.4631A>T variant is predicted to result in the amino acid substitution p.Asn1544Ile. To our knowledge, this variant has not been reported in the literature. This variant is reported in 0.0031% of alleles in individuals of European (Non-Finnish) descent in gnomAD. At this time, the clinical significance of this variant is uncertain due to the absence of conclusive functional and genetic evidence.